The following is an entry in ClinVar:

ClinVar aggregate classification (germline): Uncertain significance. Review status: criteria provided, multiple submitters, no conflicts (2 of 4 stars). 2 submissions from 2 submitters: Uncertain significance (2). Last evaluated 2023-04-27.

Allele frequency attached by ClinVar (database versions not stated): gnomAD 0.00004.
gnomAD v4.1: 48 of 1,607,430 alleles (0.003%); highest among the groups gnomAD compares: Non-Finnish European, 0.0037%; no homozygotes.

Submissions (2):

Labcorp Genetics (formerly Invitae), Labcorp
Classification: Uncertain significance. Last evaluated: 2023-04-27. Review status: criteria provided, single submitter. Criteria: Invitae Variant Classification Sherloc (09022015). Collection method: clinical testing. Allele origin: germline.
Comment: In summary, the available evidence is currently insufficient to determine the role of this variant in disease. Therefore, it has been classified as a Variant of Uncertain Significance. An algorithm developed to predict the effect of missense changes on protein structure and function (PolyPhen-2) suggests that this variant is likely to be tolerated. ClinVar contains an entry for this variant (Variation ID: 2311356). This variant has not been reported in the literature in individuals affected with XPO5-related conditions. The frequency data for this variant in the population databases is considered unreliable, as metrics indicate poor data quality at this position in the gnomAD database. This sequence change replaces alanine, which is neutral and non-polar, with valine, which is neutral and non-polar, at codon 778 of the XPO5 protein (p.Ala778Val).

Ambry Genetics
Classification: Uncertain significance. Last evaluated: 2021-10-14. Review status: criteria provided, single submitter. Criteria: Ambry Variant Classification Scheme 2023. Collection method: clinical testing. Allele origin: germline.

NM_020750.3(XPO5):c.2333C>T (p.Ala778Val)

Genes: POLR1C (RNA polymerase I and III subunit C; plus strand), XPO5 (exportin 5; minus strand). Cytogenetic location: 6p21.1.
Variant type: single nucleotide variant.
Coding change: c.2333C>T on transcript NM_020750.3 (MANE Select); coding-DNA position 2333, C replaced by T.
Protein change: p.Ala778Val; replaces alanine 778 with valine.
Molecular consequence: missense variant. On other transcripts: non-coding transcript variant (1), intron variant (1).
Genome position (GRCh38, 1-based): chr6:43,546,580, G>A on the plus strand (C>T on the coding strand, the complement: XPO5 is on the minus strand). VCF-style: chr6-43546580-G-A. GRCh37 (hg19) VCF-style: chr6-43514317-G-A.
Other names: c.923-4388G>A (NM_001363658.2); short protein forms A778V.
Identifiers: ClinVar variation 2311356 (VCV002311356.5), dbSNP rs375364641, ClinGen allele CA364236696.
Genomic context (GRCh38, chr6:43,546,580, plus strand): 5'-TTTTTAAGGTAAAGTAGAAAACAACAGAGAAAAGCCATTATTCTGACTCACCTTATAAGC[G>A]CAAGCAAATTGTCAAGAAGTTTCAGAATCTGCTCTGTGCAGGGGTTACGGAAGATTGGAT-3'
Protein context (NP_065801.1, residues 768-788): QILKLLDNLL[Ala778Val]LIRTHNTLYA